The following is an entry in ClinVar:

NM_001540.5(HSPB1):c.570G>C (p.Gln190His)

Gene: HSPB1 (heat shock protein family B (small) member 1; plus strand). Cytogenetic location: 7q11.23.
Variant type: single nucleotide variant.
Coding change: c.570G>C on transcript NM_001540.5 (MANE Select); coding-DNA position 570, G replaced by C.
Protein change: p.Gln190His; replaces glutamine 190 with histidine.
Molecular consequence: missense variant.
Genome position (GRCh38, 1-based): chr7:76,304,125, G>C. VCF-style: chr7-76304125-G-C. GRCh37 (hg19) VCF-style: chr7-75933442-G-C.
Other names: short protein forms Q190H.
Identifiers: ClinVar variation 974685 (VCV000974685.13), dbSNP rs764297134, ClinGen allele CA4306448.

ClinVar aggregate classification (germline): Conflicting classifications of pathogenicity. Review status: criteria provided, conflicting classifications (1 of 4 stars). 3 submissions from 3 submitters: Likely pathogenic (1); Uncertain significance (2). Last evaluated 2026-02-01.

Conditions:
Charcot-Marie-Tooth disease axonal type 2F (CMT2F). Also called: CHARCOT-MARIE-TOOTH DISEASE, NEURONAL, TYPE 2F; Charcot-Marie-Tooth Neuropathy Type 2F. Identifiers: Orphanet 99940, MedGen C1847823, MONDO:0011687, OMIM 606595.

Allele frequency attached by ClinVar (database versions not stated): gnomAD 0.00001 and 0.00002; TOPMed 0.00002; gnomAD exomes 0.00005 and 0.00007; ExAC 0.00010.
gnomAD v4.1: 74 of 1,612,796 alleles (0.0046%); highest among the groups gnomAD compares: South Asian, 0.033%; no homozygotes.

Submissions (3):

CeGaT Center for Human Genetics Tuebingen
Classification: Uncertain significance. Last evaluated: 2026-02-01. Review status: criteria provided, single submitter. Criteria: CeGaT Center For Human Genetics Tuebingen Variant Classification Criteria Version 2. Collection method: clinical testing. Allele origin: germline. Affected: yes. Observed: 1 variant allele.
Comment: HSPB1: PS4:Moderate, PM2:Supporting, BP5

Labcorp Genetics (formerly Invitae), Labcorp
Classification: Uncertain significance for Charcot-Marie-Tooth disease axonal type 2F. Last evaluated: 2025-12-08. Review status: criteria provided, single submitter. Criteria: Invitae Variant Classification Sherloc (09022015). Collection method: clinical testing. Allele origin: germline.
Comment: This sequence change replaces glutamine, which is neutral and polar, with histidine, which is basic and polar, at codon 190 of the HSPB1 protein (p.Gln190His). This variant is present in population databases (rs764297134, gnomAD 0.04%). This missense change has been observed in individual(s) with HSPB1-related conditions (PMID: 27492805, 31919945, 34354735). ClinVar contains an entry for this variant (Variation ID: 974685). Invitae Evidence Modeling of protein sequence and biophysical properties (such as structural, functional, and spatial information, amino acid conservation, physicochemical variation, residue mobility, and thermodynamic stability) has been performed for this missense variant. However, the output from this modeling did not meet the statistical confidence thresholds required to predict the impact of this variant on HSPB1 protein function. In summary, the available evidence is currently insufficient to determine the role of this variant in disease. Therefore, it has been classified as a Variant of Uncertain Significance.

Istituto Neurologico Mediterraneo, Istituto di Ricovero e Cura a Carattere Scientifico
Classification: Likely pathogenic for Charcot-Marie-Tooth disease axonal type 2F. Last evaluated: 2020-01-26. Review status: criteria provided, single submitter. Criteria: ACMG Guidelines, 2015. Collection method: clinical testing. Allele origin: de novo. Inheritance: Autosomal dominant inheritance. Affected: yes. Observed: 1 heterozygote.

Literature cited by the submitters: PubMed 27492805 (cited by Labcorp Genetics (formerly Invitae), Labcorp); PubMed 31919945 (cited by Labcorp Genetics (formerly Invitae), Labcorp); PubMed 34354735 (cited by Labcorp Genetics (formerly Invitae), Labcorp).